The following is an entry in ClinVar:

ClinVar aggregate classification (germline): Conflicting classifications of pathogenicity. Review status: criteria provided, conflicting classifications (1 of 4 stars). 2 submissions from 2 submitters: Uncertain significance (1); Likely benign (1). Last evaluated 2024-11-05.

Allele frequency attached by ClinVar (database versions not stated): gnomAD exomes 0.00014 and 0.00038; ExAC 0.00016; TOPMed 0.00017; gnomAD 0.00021 and 0.00022; ESP Exome Variant Server 0.00023.
gnomAD v4.1: 598 of 1,613,844 alleles (0.037%); highest among the groups gnomAD compares: Non-Finnish European, 0.047%; no homozygotes.

Submissions (2):

Labcorp Genetics (formerly Invitae), Labcorp
Classification: Uncertain significance. Last evaluated: 2024-11-05. Review status: criteria provided, single submitter. Criteria: Invitae Variant Classification Sherloc (09022015). Collection method: clinical testing. Allele origin: germline.
Comment: This sequence change replaces arginine, which is basic and polar, with cysteine, which is neutral and slightly polar, at codon 638 of the TTLL5 protein (p.Arg638Cys). This variant is present in population databases (rs61741463, gnomAD 0.03%). This variant has not been reported in the literature in individuals affected with TTLL5-related conditions. ClinVar contains an entry for this variant (Variation ID: 839138). Invitae Evidence Modeling of protein sequence and biophysical properties (such as structural, functional, and spatial information, amino acid conservation, physicochemical variation, residue mobility, and thermodynamic stability) indicates that this missense variant is not expected to disrupt TTLL5 protein function with a negative predictive value of 80%. In summary, the available evidence is currently insufficient to determine the role of this variant in disease. Therefore, it has been classified as a Variant of Uncertain Significance.

Blueprint Genetics
Classification: Likely benign. Last evaluated: 2024-08-26. Review status: criteria provided, single submitter. Criteria: ACMG Guidelines, 2015. Collection method: clinical testing. Allele origin: germline.

NM_015072.5(TTLL5):c.1912C>T (p.Arg638Cys)

Gene: TTLL5 (tubulin tyrosine ligase like 5; plus strand). Cytogenetic location: 14q24.3.
Variant type: single nucleotide variant.
Coding change: c.1912C>T on transcript NM_015072.5 (MANE Select); coding-DNA position 1912, C replaced by T.
Protein change: p.Arg638Cys; replaces arginine 638 with cysteine.
Molecular consequence: missense variant.
Genome position (GRCh38, 1-based): chr14:75,766,265, C>T. VCF-style: chr14-75766265-C-T. GRCh37 (hg19) VCF-style: chr14-76232608-C-T.
Other names: short protein forms R638C.
Identifiers: ClinVar variation 839138 (VCV000839138.6), dbSNP rs61741463, ClinGen allele CA7279553.